The following is an entry in ClinVar:

ClinVar aggregate classification (germline): Uncertain significance (1 of 4 stars; one submission).

Conditions:
BAP1-related tumor predisposition syndrome (TPDS1). Also called: BAP1 tumor predisposition syndrome; Tumor susceptibility linked to germline BAP1 mutations; COMMON Syndrome; TUMOR PREDISPOSITION SYNDROME 1. Identifiers: Orphanet 289539, MedGen C3280492, MONDO:0013692, OMIM 614327.

Submission:

Labcorp Genetics (formerly Invitae), Labcorp
Classification: Uncertain significance for BAP1-related tumor predisposition syndrome. Last evaluated: 2020-05-21. Review status: criteria provided, single submitter. Criteria: Invitae Variant Classification Sherloc (09022015). Collection method: clinical testing. Allele origin: germline.
Comment: In summary, the available evidence is currently insufficient to determine the role of this variant in disease. Therefore, it has been classified as a Variant of Uncertain Significance. Algorithms developed to predict the effect of missense changes on protein structure and function are either unavailable or do not agree on the potential impact of this missense change (SIFT: "Tolerated"; PolyPhen-2: "Probably Damaging"; Align-GVGD: "Class C0"). This variant has not been reported in the literature in individuals with BAP1-related conditions. This variant is not present in population databases (ExAC no frequency). This sequence change replaces serine with threonine at codon 705 of the BAP1 protein (p.Ser705Thr). The serine residue is highly conserved and there is a small physicochemical difference between serine and threonine.

NM_004656.4(BAP1):c.2114G>C (p.Ser705Thr)

Gene: BAP1 (BRCA1 associated deubiquitinase 1; minus strand). Cytogenetic location: 3p21.1.
Variant type: single nucleotide variant.
Coding change: c.2114G>C on transcript NM_004656.4 (MANE Select); coding-DNA position 2114, G replaced by C.
Protein change: p.Ser705Thr; replaces serine 705 with threonine.
Molecular consequence: missense variant.
Genome position (GRCh38, 1-based): chr3:52,402,364, C>G on the plus strand (G>C on the coding strand, the complement: BAP1 is on the minus strand). VCF-style: chr3-52402364-C-G. GRCh37 (hg19) VCF-style: chr3-52436380-C-G.
Other names: short protein forms S705T.
Identifiers: ClinVar variation 1003164 (VCV001003164.5), dbSNP rs1704984916, ClinGen allele CA353094292.
Genomic context (GRCh38, chr3:52,402,364, plus strand): 5'-TTGTAGGGGCGAGAGCGTTTCCGCCGGTCAGGCTTCCGCTGCTTGTGGAGCCGGCCGATG[C>G]TGACCCCTTGGCGCCGCCGCACGGAGATGTTCTGCTCCACTAGGTTGGCCAGCATGCCTG-3'
Protein context (NP_004647.1, residues 695-715): NISVRRRQGV[Ser705Thr]IGRLHKQRKP